The following is an entry in ClinVar:

NM_000360.4(TH):c.469delinsCTCACCCTTGG (p.Ser157fs)

Gene: TH (tyrosine hydroxylase; minus strand). Cytogenetic location: 11p15.5.
Variant type: Indel.
Coding change: c.469delinsCTCACCCTTGG on transcript NM_000360.4 (MANE Select); coding-DNA position 469, A replaced by CTCACCCTTGG.
Protein change: p.Ser157fs; shifts the reading frame from serine 157.
Molecular consequence: frameshift variant.
Genome position (GRCh38, 1-based): chr11:2,168,509, T replaced by CCAAGGGTGAG on the plus strand (A replaced by CTCACCCTTGG on the coding strand, the reverse complement: TH is on the minus strand). VCF-style: chr11-2168509-T-CCAAGGGTGAG. GRCh37 (hg19) VCF-style: chr11-2189739-T-CCAAGGGTGAG.
Other names: c.562delinsCTCACCCTTGG, p.Ser188fs (NM_199292.3); c.550delinsCTCACCCTTGG, p.Ser184fs (NM_199293.3); short protein forms S157fs, S184fs, S188fs.
Identifiers: ClinVar variation 1725202 (VCV001725202.2), dbSNP rs2495820282, ClinGen allele CA2580082621.

ClinVar aggregate classification (germline): Likely pathogenic (1 of 4 stars; one submission).

Conditions:
TH-deficient dopa-responsive dystonia. Also called: Segawa syndrome, autosomal recessive; DYT-TH; Tyrosine Hydroxylase-Deficient Dopa-Responsive Dystonia. Identifiers: Orphanet 101150, MedGen C2673535, MONDO:0011551, OMIM 605407.

Submission:

Myriad Genetics, Inc.
Classification: Likely pathogenic for TH-deficient dopa-responsive dystonia. Last evaluated: 2022-03-14. Review status: criteria provided, single submitter. Criteria: Myriad Women's Health Autosomal Recessive and X-Linked Classification Criteria (2021). Collection method: clinical testing. Allele origin: unknown.
Comment: NM_199292.2(TH):c.562del1ins11(S188Lfs*33) is expected to be pathogenic in the context of tyrosine hydroxylase deficiency. This variant is predicted to lead to an abnormal or absent protein product due to the creation of a premature termination codon in TH, a gene where loss-of-function variants are known to be pathogenic. Please note: this variant was assessed in the context of healthy population screening.